The following is an entry in ClinVar:

NM_004408.4(DNM1):c.427G>C (p.Val143Leu)

Genes: DNM1 (dynamin 1; plus strand), LOC113839516 (Sharpr-MPRA regulatory region 8497; plus strand). Cytogenetic location: 9q34.11.
Variant type: single nucleotide variant.
Coding change: c.427G>C on transcript NM_004408.4 (MANE Select); coding-DNA position 427, G replaced by C.
Protein change: p.Val143Leu; replaces valine 143 with leucine.
Molecular consequence: missense variant.
Genome position (GRCh38, 1-based): chr9:128,219,090, G>C. VCF-style: chr9-128219090-G-C. GRCh37 (hg19) VCF-style: chr9-130981369-G-C.
Other names: c.427G>C, p.Val143Leu (NM_001005336.3, NM_001288737.2, NM_001288738.2 and 2 more transcripts); short protein forms V143L.
Identifiers: ClinVar variation 1000777 (VCV001000777.9), dbSNP rs1834788549, ClinGen allele CA375010954.

ClinVar aggregate classification (germline): Uncertain significance (1 of 4 stars; one submission).

Conditions:
Developmental and epileptic encephalopathy, 31A. Also called: Epileptic encephalopathy, early infantile, 31; Developmental and epileptic encephalopathy, 31. Identifiers: Orphanet 2382, MedGen C4225357, MONDO:0014598, OMIM 616346.

Submission:

Labcorp Genetics (formerly Invitae), Labcorp
Classification: Uncertain significance for Developmental and epileptic encephalopathy, 31A. Last evaluated: 2020-09-05. Review status: criteria provided, single submitter. Criteria: Invitae Variant Classification Sherloc (09022015). Collection method: clinical testing. Allele origin: germline.
Comment: This variant is not present in population databases (ExAC no frequency). This variant has not been reported in the literature in individuals with DNM1-related conditions. Advanced modeling of protein sequence and biophysical properties (such as structural, functional, and spatial information, amino acid conservation, physicochemical variation, residue mobility, and thermodynamic stability) performed at Invitae indicates that this missense variant is expected to disrupt DNM1 protein function. In summary, the available evidence is currently insufficient to determine the role of this variant in disease. Therefore, it has been classified as a Variant of Uncertain Significance. This sequence change replaces valine with leucine at codon 143 of the DNM1 protein (p.Val143Leu). The valine residue is highly conserved and there is a small physicochemical difference between valine and leucine.